The following is an entry in ClinVar:

ClinVar aggregate classification (germline): Uncertain significance (1 of 4 stars; one submission).

Conditions:
Loeys-Dietz syndrome 2 (LDS2). Also called: TGFBR2-Related Loeys-Dietz Syndrome; Marfan Syndrome type 2; Marfan like connective tissue disorder; MFS 2; Marfan syndrome, type 2 (formerly); AORTIC ANEURYSM, FAMILIAL THORACIC 3. Identifiers: Orphanet 284973, Orphanet 558, MedGen C2674574, MONDO:0012427, OMIM 610168.

Allele frequency attached by ClinVar (database versions not stated): gnomAD exomes below 0.00001; ExAC 0.00001; gnomAD 0.00001.
gnomAD v4.1: 2 of 1,613,592 alleles (0.00012%); highest among the groups gnomAD compares: East Asian, 0.0045%; no homozygotes.

Submission:

Labcorp Genetics (formerly Invitae), Labcorp
Classification: Uncertain significance for Loeys-Dietz syndrome 2. Last evaluated: 2021-02-18. Review status: criteria provided, single submitter. Criteria: Invitae Variant Classification Sherloc (09022015). Collection method: clinical testing. Allele origin: germline.
Comment: In summary, the available evidence is currently insufficient to determine the role of this variant in disease. Therefore, it has been classified as a Variant of Uncertain Significance. Algorithms developed to predict the effect of missense changes on protein structure and function are either unavailable or do not agree on the potential impact of this missense change (SIFT: "Tolerated"; PolyPhen-2: "Probably Damaging"; Align-GVGD: "Class C0"). This variant has not been reported in the literature in individuals with TMPO-related conditions. This variant is present in population databases (rs770948908, ExAC 0.01%). This sequence change replaces threonine with proline at codon 160 of the TMPO protein (p.Thr160Pro). The threonine residue is moderately conserved and there is a small physicochemical difference between threonine and proline.

NM_001032283.3(TMPO):c.478A>C (p.Thr160Pro)

Gene: TMPO (thymopoietin; plus strand). Cytogenetic location: 12q23.1.
Variant type: single nucleotide variant.
Coding change: c.478A>C on transcript NM_001032283.3 (MANE Select); coding-DNA position 478, A replaced by C.
Protein change: p.Thr160Pro; replaces threonine 160 with proline.
Molecular consequence: missense variant.
Genome position (GRCh38, 1-based): chr12:98,531,751, A>C. VCF-style: chr12-98531751-A-C. GRCh37 (hg19) VCF-style: chr12-98925529-A-C.
Other names: c.478A>C, p.Thr160Pro (NM_001032284.3, NM_001307975.2, NM_003276.2); short protein forms T160P.
Identifiers: ClinVar variation 1518854 (VCV001518854.8), dbSNP rs770948908, ClinGen allele CA6732213.